The following is an entry in ClinVar:

NM_005560.6(LAMA5):c.5411C>T (p.Ser1804Leu)

Gene: LAMA5 (laminin subunit alpha 5; minus strand). Cytogenetic location: 20q13.33.
Variant type: single nucleotide variant.
Coding change: c.5411C>T on transcript NM_005560.6 (MANE Select); coding-DNA position 5411, C replaced by T.
Protein change: p.Ser1804Leu; replaces serine 1804 with leucine.
Molecular consequence: missense variant.
Genome position (GRCh38, 1-based): chr20:62,325,434, G>A on the plus strand (C>T on the coding strand, the complement: LAMA5 is on the minus strand). VCF-style: chr20-62325434-G-A. GRCh37 (hg19) VCF-style: chr20-60900490-G-A.
Other names: c.5411C>T (NM_005560.4, NM_005560.3); short protein forms S1804L.
Identifiers: ClinVar variation 2058883 (VCV002058883.3), dbSNP rs149570905, ClinGen allele CA9942207.

ClinVar aggregate classification (germline): Uncertain significance. Review status: criteria provided, multiple submitters, no conflicts (2 of 4 stars). 3 submissions from 3 submitters: Uncertain significance (3). Last evaluated 2025-01-29.

Conditions:
LAMA5-related disorder. Also called: LAMA5-related condition; LAMA5-Related Disorders.
Inborn genetic diseases. Identifiers: MedGen C0950123, MeSH D030342.

Allele frequency attached by ClinVar (database versions not stated): 1000 Genomes Project 30x 0.00016; 1000 Genomes Project 0.00020; gnomAD 0.00035; ESP Exome Variant Server 0.00038.
gnomAD v4.1: 463 of 1,612,442 alleles (0.029%); highest among the groups gnomAD compares: Non-Finnish European, 0.031%; 2 homozygotes.

Submissions (3):

Ambry Genetics
Classification: Uncertain significance for Inborn genetic diseases. Last evaluated: 2025-01-29. Review status: criteria provided, single submitter. Criteria: Ambry Variant Classification Scheme 2023. Collection method: clinical testing. Allele origin: germline.

PreventionGenetics, part of Exact Sciences
Classification: Uncertain significance for LAMA5-related condition. Last evaluated: 2023-05-02. Review status: criteria provided, single submitter. Criteria: ACMG Guidelines, 2015. Collection method: clinical testing. Allele origin: germline.
Comment: The LAMA5 c.5411C>T variant is predicted to result in the amino acid substitution p.Ser1804Leu. To our knowledge, this variant has not been reported in the literature. This variant is reported in 0.11% of alleles in individuals of European (Finnish) descent in gnomAD, including one homozygote. Although we suspect that this variant may be benign, at this time, the clinical significance of this variant is uncertain due to the absence of conclusive functional and genetic evidence.

Labcorp Genetics (formerly Invitae), Labcorp
Classification: Uncertain significance. Last evaluated: 2022-07-29. Review status: criteria provided, single submitter. Criteria: Invitae Variant Classification Sherloc (09022015). Collection method: clinical testing. Allele origin: germline.
Comment: This sequence change replaces serine, which is neutral and polar, with leucine, which is neutral and non-polar, at codon 1804 of the LAMA5 protein (p.Ser1804Leu). This variant is present in population databases (rs149570905, gnomAD 0.1%), including at least one homozygous and/or hemizygous individual. This variant has not been reported in the literature in individuals affected with LAMA5-related conditions. Algorithms developed to predict the effect of missense changes on protein structure and function are either unavailable or do not agree on the potential impact of this missense change (SIFT: "Tolerated"; PolyPhen-2: "Possibly Damaging"; Align-GVGD: "Class C0"). In summary, the available evidence is currently insufficient to determine the role of this variant in disease. Therefore, it has been classified as a Variant of Uncertain Significance.